The following is an entry in ClinVar:

NM_024312.5(GNPTAB):c.804del (p.Leu268_Leu269insTer)

Gene: GNPTAB (N-acetylglucosamine-1-phosphate transferase subunits alpha and beta; minus strand). Cytogenetic location: 12q23.2.
Variant type: Deletion.
Coding change: c.804del on transcript NM_024312.5 (MANE Select); coding-DNA position 804, one base deleted (T; older notation c.804delT).
Protein change: p.Leu268_Leu269insTer.
Molecular consequence: frameshift variant.
Genome position (GRCh38, 1-based): chr12:101,771,125, A deleted on the plus strand (T on the coding strand, the reverse complement: GNPTAB is on the minus strand); the first of 2 consecutive A bases (chr12:101,771,125-101,771,126); deleting either gives the same sequence. VCF-style (leftmost placement, unchanged base first): chr12-101771124-GA-G. GRCh37 (hg19) VCF-style: chr12-102164902-GA-G.
Other names: c.804delT (NM_024312.4); c.804del (NM_024312.4).
Identifiers: ClinVar variation 556444 (VCV000556444.3), dbSNP rs1555270428, ClinGen allele CA658822546.
Genomic context (GRCh38, chr12:101,771,124, plus strand): 5'-TCATGTTCTTCTTAGTTTGCTTATTCAATTCTTGAAAATCCTTGGGGTTATTCAGTTTTA[GA>G]AGCGCTACACTGGCCTCTGAATACAACTGCAACTATCAAATAACAAGAGGATTACACATG-3'

ClinVar aggregate classification (germline): Likely pathogenic. Review status: criteria provided, single submitter (1 of 4 stars). 2 submissions from 2 submitters: Likely pathogenic (1). 1 of the submissions does not count toward it. Last evaluated 2024-09-16.

Conditions:
Mucolipidosis type II. Also called: Mucolipidosis II Alpha/Beta; Mucolipidosis 2; ML 2; Inclusion cell disease; Leroy Disease; N-acetylglucosamine 1phosphotransferase deficiency. Identifiers: Orphanet 576, MedGen C2673377, MONDO:0009650, OMIM 252500.
Pseudo-Hurler polydystrophy. Also called: MUCOLIPIDOSIS IIIA; ML IIIA; Mucolipidosis III Alpha/Beta; Type III Mucolipidosis; ML III; ML III ALPHA/BETA. Identifiers: Orphanet 423461, Orphanet 577, MedGen C0033788, MONDO:0018931, OMIM 252600.

Submissions (2):

Natera, Inc.
Classification: Likely pathogenic for Mucolipidosis type II. Last evaluated: 2024-09-16. Review status: criteria provided, single submitter. Criteria: Natera Variant Classification Schema (03/2026). Collection method: clinical testing. Allele origin: germline.
Comment: The c.804del variant in GNPTAB is a frameshift variant predicted to shift the reading frame and introduce a stop codon. This variant is expected to result in nonsense mediated decay, truncation, or a dysfunctional protein product. This variant is rare in the general population with a frequency below the threshold expected for the associated phenotype(s). Given the available evidence, this variant is classified as Likely Pathogenic.

Counsyl
Classification: Likely pathogenic for Mucolipidosis type II; Pseudo-Hurler polydystrophy. Last evaluated: 2018-02-05. Review status: no assertion criteria provided. Collection method: clinical testing. Allele origin: unknown. Not counted in ClinVar's aggregate classification.